The following is an entry in ClinVar:

NM_000642.3(AGL):c.4204G>T (p.Glu1402Ter)

Gene: AGL (amylo-alpha-1,6-glucosidase and 4-alpha-glucanotransferase; plus strand). Cytogenetic location: 1p21.2.
Variant type: single nucleotide variant.
Coding change: c.4204G>T on transcript NM_000642.3 (MANE Select); coding-DNA position 4204, G replaced by T.
Protein change: p.Glu1402Ter; replaces glutamic acid 1402 with a stop codon.
Molecular consequence: nonsense.
Genome position (GRCh38, 1-based): chr1:99,915,431, G>T. VCF-style: chr1-99915431-G-T. GRCh37 (hg19) VCF-style: chr1-100380987-G-T.
Other names: c.4204G>T, p.Glu1402Ter (NM_000028.3, NM_000643.3, NM_000644.3 and 1 more transcripts); c.4156G>T, p.Glu1386Ter (NM_000646.3); c.4183G>T, p.Glu1395Ter (NM_001425326.1); c.4003G>T, p.Glu1335Ter (NM_001425327.1); c.4000G>T, p.Glu1334Ter (NM_001425328.1); c.3865G>T, p.Glu1289Ter (NM_001425329.1); c.3826G>T, p.Glu1276Ter (NM_001425332.1); short protein forms E1386*, E1402*, E1276*, E1289*, E1334*, E1335*, E1395*.
Identifiers: ClinVar variation 1726712 (VCV001726712.2), dbSNP rs2523845915, ClinGen allele CA341341139.

ClinVar aggregate classification (germline): Likely pathogenic (1 of 4 stars; one submission).

Conditions:
Glycogen storage disease type III (GSD3). Also called: FORBES DISEASE; Cori disease. Identifiers: Orphanet 366, MedGen C0017922, MONDO:0009291, OMIM 232400.

Submission:

Myriad Genetics, Inc.
Classification: Likely pathogenic for Glycogen storage disease type III. Last evaluated: 2021-12-30. Review status: criteria provided, single submitter. Criteria: Myriad Women's Health Autosomal Recessive and X-Linked Classification Criteria (2021). Collection method: clinical testing. Allele origin: unknown.
Comment: NM_000642.2(AGL):c.4204G>T(E1402*) is expected to be pathogenic in the context of glycogen storage disease type III. This variant is predicted to lead to an abnormal or absent protein product due to the creation of a premature termination codon in AGL, a gene where loss-of-function variants are known to be pathogenic. Please note: this variant was assessed in the context of healthy population screening.